The following is an entry in ClinVar:

NM_002471.4(MYH6):c.1108C>T (p.Arg370Trp)

Gene: MYH6 (myosin heavy chain 6; minus strand). Cytogenetic location: 14q11.2.
Variant type: single nucleotide variant.
Coding change: c.1108C>T on transcript NM_002471.4 (MANE Select); coding-DNA position 1108, C replaced by T.
Protein change: p.Arg370Trp; replaces arginine 370 with tryptophan.
Molecular consequence: missense variant.
Genome position (GRCh38, 1-based): chr14:23,402,497, G>A on the plus strand (C>T on the coding strand, the complement: MYH6 is on the minus strand). VCF-style: chr14-23402497-G-A. GRCh37 (hg19) VCF-style: chr14-23871706-G-A.
Other names: short protein forms R370W.
Identifiers: ClinVar variation 418705 (VCV000418705.16), dbSNP rs753444140, ClinGen allele CA7115903.

ClinVar aggregate classification (germline): Conflicting classifications of pathogenicity. Review status: criteria provided, conflicting classifications (1 of 4 stars). 5 submissions from 5 submitters: Likely pathogenic (1); Uncertain significance (4). Last evaluated 2021-11-23.

Conditions:
Primary familial dilated cardiomyopathy (FDC). Also called: Hypokinetic dilated cardiomyopathy, familial; Familial dilated cardiomyopathy. Identifiers: Orphanet 217607, MedGen C0340427, MONDO:0016333.
Hypertrophic cardiomyopathy 14. Identifiers: MedGen C2750467, MONDO:0013197, OMIM 613251.

Allele frequency attached by ClinVar (database versions not stated): gnomAD exomes 0.00002; ExAC 0.00003; gnomAD 0.00003; TOPMed 0.00005.
gnomAD v4.1: 29 of 1,613,274 alleles (0.0018%); highest among the groups gnomAD compares: South Asian, 0.0077%; no homozygotes.

Submissions (5):

Blueprint Genetics
Classification: Uncertain significance. Last evaluated: 2021-11-23. Review status: criteria provided, single submitter. Criteria: ACMG Guidelines, 2015. Collection method: clinical testing. Allele origin: germline.

Labcorp Genetics (formerly Invitae), Labcorp
Classification: Uncertain significance for Hypertrophic cardiomyopathy 14. Last evaluated: 2020-02-19. Review status: criteria provided, single submitter. Criteria: Invitae Variant Classification Sherloc (09022015). Collection method: clinical testing. Allele origin: germline.
Comment: This variant is present in population databases (rs753444140, ExAC 0.02%). In summary, the available evidence is currently insufficient to determine the role of this variant in disease. Therefore, it has been classified as a Variant of Uncertain Significance. Algorithms developed to predict the effect of missense changes on protein structure and function are either unavailable or do not agree on the potential impact of this missense change (SIFT: "Deleterious"; PolyPhen-2: "Probably Damaging"; Align-GVGD: "Class C0"). This variant has not been reported in the literature in individuals with MYH6-related conditions. ClinVar contains an entry for this variant (Variation ID: 418705). This sequence change replaces arginine with tryptophan at codon 370 of the MYH6 protein (p.Arg370Trp). The arginine residue is weakly conserved and there is a moderate physicochemical difference between arginine and tryptophan.

Laboratory for Molecular Medicine, Mass General Brigham Personalized Medicine
Classification: Uncertain significance. Last evaluated: 2016-06-13. Review status: criteria provided, single submitter. Criteria: LMM Criteria. Collection method: clinical testing. Allele origin: germline. Observed: 1 variant allele.
Comment: The p.Arg370Trp variant in MYH6 has not been previously reported in individuals with cardiomyopathy, but has been identified in 3/16510 South Asian chromosomes by the Exome Aggregation Consortium (ExAC; dbSNP 753444140). Computational prediction tools and conservation analysis suggest th at the p.Arg370Trp variant may impact the protein, though this information is no t predictive enough to determine pathogenicity. In summary, the clinical signifi cance of the p.Arg370Trp variant is uncertain.

GeneDx
Classification: Likely pathogenic. Last evaluated: 2015-03-24. Review status: criteria provided, single submitter. Criteria: GeneDx Variant Classification (06012015). Collection method: clinical testing. Allele origin: germline. Affected: yes.
Comment: The R370W variant in the MYH6 gene has not been published as a pathogenic variant, nor has it been reported as a benign polymorphism to our knowledge. The R370W variant was not observed in approximately 6500 individuals of European and African American ancestry in the NHLBI Exome Sequencing Project, indicating it is not a common benign variant in these populations. The R370W variant is a non-conservative amino acid substitution which occurs at a position within the myosin motor domain that is conserved across species. In silico analysis predicts that this variant is probably damaging to the protein structure/function. The R370W variant is a strong candidate for a disease-causing variant . However, the possibility that it may be a rare benign variant cannot be excluded

Molecular Diagnostic Laboratory for Inherited Cardiovascular Disease, Montreal Heart Institute
Classification: Uncertain significance for Familial dilated cardiomyopathy. Review status: criteria provided, single submitter. Criteria: ACMG Guidelines, 2015. Collection method: clinical testing. Allele origin: germline. Affected: yes.